The following is an entry in ClinVar:

NM_005529.7(HSPG2):c.4916C>T (p.Thr1639Met)

Gene: HSPG2 (heparan sulfate proteoglycan 2; minus strand). Cytogenetic location: 1p36.12.
Variant type: single nucleotide variant.
Coding change: c.4916C>T on transcript NM_005529.7 (MANE Select); coding-DNA position 4916, C replaced by T.
Protein change: p.Thr1639Met; replaces threonine 1639 with methionine.
Molecular consequence: missense variant.
Genome position (GRCh38, 1-based): chr1:21,861,796, G>A on the plus strand (C>T on the coding strand, the complement: HSPG2 is on the minus strand). VCF-style: chr1-21861796-G-A. GRCh37 (hg19) VCF-style: chr1-22188289-G-A.
Other names: c.4919C>T, p.Thr1640Met (NM_001291860.2); short protein forms T1639M, T1640M.
Identifiers: ClinVar variation 197080 (VCV000197080.40), dbSNP rs142433309, ClinGen allele CA245018.

ClinVar aggregate classification (germline): Conflicting classifications of pathogenicity. Review status: criteria provided, conflicting classifications (1 of 4 stars). 16 submissions from 15 submitters: Uncertain significance (1); Benign (3); Likely benign (9). 3 of the submissions do not count toward it. Last evaluated 2026-07-01.

Conditions:
HSPG2-related disorder. Also called: HSPG2-related condition; HSPG2-related disorders.
Schwartz-Jampel syndrome. Also called: Myotonic myopathy dwarfism chondrodystrophy and ocular and facial abnormalities. Identifiers: Orphanet 800, MedGen C0036391, MONDO:0009717.
Lethal Kniest-like syndrome (DDSH). Also called: Dyssegmental Dysplasia. Identifiers: Orphanet 1865, MedGen C1857100, MONDO:0009140, OMIM 224410.
Intellectual disability. Also called: intellectual disabilities; Intellectual developmental disorder; Intellectual functioning disability. Identifiers: MedGen C3714756, MeSH D008607, MONDO:0001071, HP:0001249.

Allele frequency attached by ClinVar (database versions not stated): 1000 Genomes Project 0.00080; 1000 Genomes Project 30x 0.00094; ExAC 0.00134; gnomAD exomes 0.00150 and 0.00316; gnomAD 0.00171 and 0.00177; TOPMed 0.00204; ESP Exome Variant Server 0.00261.
gnomAD v4.1: 4,882 of 1,613,756 alleles (0.3%); highest among the groups gnomAD compares: Non-Finnish European, 0.38%; 15 homozygotes.

Submissions (16):

CeGaT Center for Human Genetics Tuebingen
Classification: Likely benign. Last evaluated: 2026-07-01. Review status: criteria provided, single submitter. Criteria: CeGaT Center For Human Genetics Tuebingen Variant Classification Criteria Version 2. Collection method: clinical testing. Allele origin: germline. Affected: yes. Observed: 2 variant alleles.
Comment: HSPG2: BS2

Labcorp Genetics (formerly Invitae), Labcorp
Classification: Benign. Last evaluated: 2026-01-12. Review status: criteria provided, single submitter. Criteria: Invitae Variant Classification Sherloc (09022015). Collection method: clinical testing. Allele origin: germline.

Women's Health and Genetics/Laboratory Corporation of America, LabCorp
Classification: Likely benign. Last evaluated: 2025-10-03. Review status: criteria provided, single submitter. Criteria: LabCorp Variant Classification Summary - May 2015. Collection method: clinical testing. Allele origin: germline.
Comment: Variant summary: HSPG2 c.4916C>T (p.Thr1639Met) results in a non-conservative amino acid change in the encoded protein sequence. Algorithms developed to predict the effect of missense changes on protein structure and function are either unavailable or do not agree on the potential impact of this missense change. The variant allele was found at a frequency of 0.0015 in 249944 control chromosomes, predominantly at a frequency of 0.0025 within the Non-Finnish European subpopulation in the gnomAD database. The observed variant frequency within Non-Finnish European control individuals in the gnomAD database exceeds the estimated maximal expected allele frequency for disease-causing variants in HSPG2. To our knowledge, no occurrence of c.4916C>T in individuals affected with HSPG2-related conditions and no experimental evidence demonstrating its impact on protein function have been reported. ClinVar contains an entry for this variant (Variation ID: 197080). Based on the evidence outlined above, the variant was classified as likely benign.

ARUP Laboratories, Molecular Genetics and Genomics, ARUP Laboratories
Classification: Likely benign. Last evaluated: 2024-12-20. Review status: criteria provided, single submitter. Criteria: ARUP Molecular Germline Variant Investigation Process 2024. Collection method: clinical testing. Allele origin: germline.

Blueprint Genetics
Classification: Likely benign. Last evaluated: 2024-11-20. Review status: criteria provided, single submitter. Criteria: ACMG Guidelines, 2015. Collection method: clinical testing. Allele origin: germline.

Cambridge Genomics Laboratory, East Genomic Laboratory Hub, NHS Genomic Medicine Service
Classification: Likely benign for Intellectual disability. Last evaluated: 2020-05-29. Review status: criteria provided, single submitter. Criteria: ACGS Best Practice Guidelines for Variant Classification in Rare Disease 2020. Collection method: clinical testing. Allele origin: germline. Affected: yes. Observed: 1 variant allele.

GeneDx
Classification: Benign. Last evaluated: 2020-01-14. Review status: criteria provided, single submitter. Criteria: GeneDx Variant Classification Process June 2021. Collection method: clinical testing. Allele origin: germline. Affected: yes.
Comment: This variant is associated with the following publications: (PMID: 25504735)

Mendelics
Classification: Likely benign for Schwartz-Jampel syndrome type 1. Last evaluated: 2019-05-28. Review status: criteria provided, single submitter. Criteria: Mendelics Assertion Criteria 2017. Collection method: clinical testing. Allele origin: unknown.

Athena Diagnostics
Classification: Benign. Last evaluated: 2018-09-26. Review status: criteria provided, single submitter. Criteria: Athena Diagnostics Criteria. Collection method: clinical testing. Allele origin: germline.

Illumina Laboratory Services, Illumina
Classification: Likely benign for Lethal Kniest-like syndrome. Last evaluated: 2017-04-27. Review status: criteria provided, single submitter. Criteria: ICSL Variant Classification Criteria 13 December 2019. Collection method: clinical testing. Allele origin: germline.
Comment: This variant was observed as part of a predisposition screen in an ostensibly healthy population. A literature search was performed for the gene, cDNA change, and amino acid change (where applicable). No publications were found based on this search. Allele frequency data from public databases allowed determination this variant is unlikely to cause disease. Therefore, this variant is classified as likely benign.

Illumina Laboratory Services, Illumina
Classification: Likely benign for Schwartz-Jampel syndrome type 1. Last evaluated: 2017-04-27. Review status: criteria provided, single submitter. Criteria: ICSL Variant Classification Criteria 13 December 2019. Collection method: clinical testing. Allele origin: germline.
Comment: This variant was observed as part of a predisposition screen in an ostensibly healthy population. A literature search was performed for the gene, cDNA change, and amino acid change (where applicable). Publications were found based on this search. The evidence from the literature, in combination with allele frequency data from public databases where available, was sufficient to determine this variant is unlikely to cause disease. Therefore, this variant is classified as likely benign.

Eurofins Ntd Llc (ga)
Classification: Likely benign. Last evaluated: 2015-09-28. Review status: criteria provided, single submitter. Criteria: EGL Classification Definitions 2015. Collection method: clinical testing. Allele origin: germline. Observed: 2 variant alleles, 2 heterozygotes.

Baylor Genetics
Classification: Uncertain significance for Schwartz Jampel syndrome type 1. Last evaluated: 2015-06-11. Review status: criteria provided, single submitter. Criteria: Yang et al. 2013. Collection method: clinical testing. Allele origin: germline. Inheritance: Autosomal recessive inheritance. Observed: 23 variant alleles, 16 heterozygotes, 7 compound heterozygotes. Study: Adult_WES.
Comment: However, other individuals in our lab with this variant and additional HSPG2 variants (phase undetermined) have not had significant overlap with the syndrome, although if it predisposes to a milder adult-onset version, they may be too young for symptoms.

PreventionGenetics, part of Exact Sciences
Classification: Likely benign for HSPG2-related condition. Last evaluated: 2021-06-06. Review status: no assertion criteria provided. Collection method: clinical testing. Allele origin: germline. Not counted in ClinVar's aggregate classification.
Comment: This variant is classified as likely benign based on ACMG/AMP sequence variant interpretation guidelines (Richards et al. 2015 PMID: 25741868, with internal and published modifications).

Clinical Genetics DNA and cytogenetics Diagnostics Lab, Erasmus MC, Erasmus Medical Center
Classification: Likely benign. Review status: no assertion criteria provided. Collection method: clinical testing. Allele origin: germline. Affected: yes. Study: VKGL Data-share Consensus. Not counted in ClinVar's aggregate classification.

Laboratory of Diagnostic Genome Analysis, Leiden University Medical Center (LUMC)
Classification: Likely benign. Review status: no assertion criteria provided. Collection method: clinical testing. Allele origin: germline. Affected: yes. Study: VKGL Data-share Consensus. Not counted in ClinVar's aggregate classification.

Literature cited by the submitters: PubMed 26633545 (cited by Athena Diagnostics and Baylor Genetics); PubMed 25504735 (cited by Athena Diagnostics and Illumina Laboratory Services, Illumina).